The following is an entry in ClinVar:

ClinVar aggregate classification (germline): Conflicting classifications of pathogenicity. Review status: criteria provided, conflicting classifications (1 of 4 stars). 7 submissions from 7 submitters: Uncertain significance (5); Likely benign (1). 1 of the submissions does not count toward it. Last evaluated 2024-03-19.

Conditions:
BBS4-related disorder. Also called: BBS4-related condition.
Bardet-Biedl syndrome (BBS). Identifiers: Orphanet 110, MedGen C0752166, MONDO:0015229.
Bardet-Biedl syndrome 4 (BBS4). Identifiers: Orphanet 110, MedGen C2936864, MONDO:0014433, OMIM 615982.

Allele frequency attached by ClinVar (database versions not stated): ExAC 0.00008; gnomAD 0.00011 and 0.00013; gnomAD exomes 0.00012; TOPMed 0.00011.
gnomAD v4.1: 123 of 1,602,946 alleles (0.0077%); highest among the groups gnomAD compares: Admixed American, 0.063%; no homozygotes.

Submissions (7):

Fulgent Genetics
Classification: Uncertain significance for Bardet-Biedl syndrome 4. Last evaluated: 2024-03-19. Review status: criteria provided, single submitter. Criteria: ACMG Guidelines, 2015. Collection method: clinical testing. Allele origin: germline.

Blueprint Genetics
Classification: Likely benign. Last evaluated: 2024-02-23. Review status: criteria provided, single submitter. Criteria: ACMG Guidelines, 2015. Collection method: clinical testing. Allele origin: germline.

Labcorp Genetics (formerly Invitae), Labcorp
Classification: Uncertain significance for Bardet-Biedl syndrome. Last evaluated: 2022-08-05. Review status: criteria provided, single submitter. Criteria: Invitae Variant Classification Sherloc (09022015). Collection method: clinical testing. Allele origin: germline.
Comment: This sequence change replaces arginine, which is basic and polar, with tryptophan, which is neutral and slightly polar, at codon 22 of the BBS4 protein (p.Arg22Trp). This variant is present in population databases (rs727503820, gnomAD 0.06%). This variant has not been reported in the literature in individuals affected with BBS4-related conditions. ClinVar contains an entry for this variant (Variation ID: 166732). Algorithms developed to predict the effect of missense changes on protein structure and function are either unavailable or do not agree on the potential impact of this missense change (SIFT: "Deleterious"; PolyPhen-2: "Possibly Damaging"; Align-GVGD: "Class C0"). In summary, the available evidence is currently insufficient to determine the role of this variant in disease. Therefore, it has been classified as a Variant of Uncertain Significance.

GeneDx
Classification: Uncertain significance. Last evaluated: 2019-05-06. Review status: criteria provided, single submitter. Criteria: GeneDx Variant Classification Process June 2021. Collection method: clinical testing. Allele origin: germline. Affected: yes.
Comment: In silico analysis, which includes protein predictors and evolutionary conservation, supports a deleterious effect; Has not been previously published as pathogenic or benign to our knowledge

Eurofins Ntd Llc (ga)
Classification: Uncertain significance. Last evaluated: 2013-12-27. Review status: criteria provided, single submitter. Criteria: EGL Classification Definitions 2015. Collection method: clinical testing. Allele origin: germline. Observed: 1 variant allele, 1 heterozygote.

Molecular Endocrinology Laboratory, Christian Medical College
Classification: Uncertain significance for Bardet-Biedl syndrome 4. Review status: criteria provided, single submitter. Criteria: ACMG Guidelines, 2015. Collection method: clinical testing. Allele origin: germline. Affected: yes.

PreventionGenetics, part of Exact Sciences
Classification: Uncertain significance for BBS4-related condition. Last evaluated: 2024-09-19. Review status: no assertion criteria provided. Collection method: clinical testing. Allele origin: germline. Not counted in ClinVar's aggregate classification.
Comment: The BBS4 c.64C>T variant is predicted to result in the amino acid substitution p.Arg22Trp. To our knowledge, this variant has not been reported in the literature. This variant is reported in 0.059% of alleles in individuals of Latino descent in gnomAD, which may be too common to be an undocumented pathogenic variant. Although we suspect that this variant may be benign, at this time, the clinical significance of this variant is uncertain due to the absence of conclusive functional and genetic evidence.

NM_033028.5(BBS4):c.64C>T (p.Arg22Trp)

Gene: BBS4 (Bardet-Biedl syndrome 4; plus strand). Cytogenetic location: 15q24.1.
Variant type: single nucleotide variant.
Coding change: c.64C>T on transcript NM_033028.5 (MANE Select); coding-DNA position 64, C replaced by T.
Protein change: p.Arg22Trp; replaces arginine 22 with tryptophan.
Molecular consequence: missense variant. On other transcripts: non-coding transcript variant (2), intron variant (1).
Genome position (GRCh38, 1-based): chr15:72,695,216, C>T. VCF-style: chr15-72695216-C-T. GRCh37 (hg19) VCF-style: chr15-72987557-C-T.
Other names: c.64C>T, p.Arg22Trp (NM_001320665.2); c.-446+8965C>T (NM_001252678.2); short protein forms R22W.
Identifiers: ClinVar variation 166732 (VCV000166732.19), dbSNP rs727503820, ClinGen allele CA233515.
Genomic context (GRCh38, chr15:72,695,216, plus strand): 5'-AGACTACTTATTTCATTTCAGAGAACTCAATTTCCTGTATCTACTGAGTCTCAAAAACCC[C>T]GGCAGAAAAAAGGTCTGTATGCAGTTTCATGGTATGTGTATGTTTGCACAGACAGATTTC-3'
Protein context (NP_149017.2, residues 12-32): FPVSTESQKP[Arg22Trp]QKKAPEFPIL